The following is an entry in ClinVar:

ClinVar aggregate classification (germline): Benign. Review status: criteria provided, multiple submitters, no conflicts (2 of 4 stars). 2 submissions from 2 submitters: Benign (2). Last evaluated 2018-05-29.

Submissions (2):

Athena Diagnostics
Classification: Benign. Last evaluated: 2018-05-29. Review status: criteria provided, single submitter. Criteria: Athena Diagnostics Criteria. Collection method: clinical testing. Allele origin: germline.

Laboratory for Molecular Medicine, Mass General Brigham Personalized Medicine
Classification: Benign. Last evaluated: 2013-07-28. Review status: criteria provided, single submitter. Criteria: LMM Criteria. Collection method: clinical testing. Allele origin: germline. Observed: 107 variant alleles.
Comment: 1018G>A in MTRNR1: This variant is not expected to have clinical signficance bec ause it is a haplogroup-specific polymorphism in mtDNA found in African populati ons. The MitoMap database reports this substitution as a polymophrism frequentl y reported in GenBank (GB frequency 1693, n/SearchAllele) and mtDB reports this variant at a frequency of 5.5% (150/2704 s equences).

Literature cited by the submitters: PubMed 7689389 (cited by Athena Diagnostics); PubMed 15286157 (cited by Athena Diagnostics); PubMed 18790089 (cited by Athena Diagnostics); PubMed 20211276 (cited by Athena Diagnostics); PubMed 18851951 (cited by Athena Diagnostics).

NC_012920.1(MT-RNR1):m.1018G>A

Gene: MT-RNR1 (mitochondrially encoded 12S RNA; plus strand).
Variant type: single nucleotide variant.
Genome position: chrM-1018-G-A.
Identifiers: ClinVar variation 42203 (VCV000042203.5), dbSNP rs2856982, ClinGen allele CA344657.